The following is an entry in ClinVar:

ClinVar aggregate classification (germline): Pathogenic/Likely pathogenic. Review status: criteria provided, multiple submitters, no conflicts (2 of 4 stars). 2 submissions from 2 submitters: Pathogenic (1); Likely pathogenic (1). Last evaluated 2020-09-24.

Conditions:
Myopathy, centronuclear, 5 (CNM5). Identifiers: Orphanet 169186, MedGen C4014814, MONDO:0014418, OMIM 615959.

Submissions (2):

Revvity Omics, Revvity
Classification: Pathogenic for Myopathy, centronuclear, 5. Last evaluated: 2020-09-24. Review status: criteria provided, single submitter. Criteria: ACMG Guidelines, 2015. Collection method: clinical testing. Allele origin: germline.

Broad Center for Mendelian Genomics, Broad Institute of MIT and Harvard
Classification: Likely pathogenic for Myopathy, centronuclear, 5. Last evaluated: 2018-12-03. Review status: criteria provided, single submitter. Criteria: ACMG Guidelines, 2015. Collection method: research. Allele origin: germline. Inheritance: Autosomal recessive inheritance. Affected: yes.
Comment: This variant was absent from large population studies. A knock-out mouse model for the SPEG gene has a phenotype that matches Centronuclear Myopathy and at least two loss of function variants across multiple exons have been reported in association with Centronuclear Myopathy in the literature (PMID: 19118250, 25087613). This variant is predicted to cause a frameshift, which alters the protein's amino acid sequence beginning at position 2997 and leads to a premature termination codon 52 amino acids downstream. This alteration is then predicted to lead to a truncated or absent protein. Loss of function of the SPEG gene is a moderately established disease mechanism in autosomal recessive Centronuclear Myopathy, and this is a loss of function variant. In summary, although additional studies are required to fully establish its clinical significance, this variant is likely pathogenic.

NM_005876.5(SPEG):c.8965_8989dup (p.Val2997fs)

Genes: ASIC4-AS1 (ASIC4 antisense RNA 1; minus strand), SPEG (striated muscle enriched protein kinase; plus strand). Cytogenetic location: 2q35.
Variant type: Duplication.
Coding change: c.8965_8989dup on transcript NM_005876.5 (MANE Select); coding-DNA positions 8965 to 8989, 25 bases duplicated (GGGCGAACGTTCGTGGCCAAGATCG).
Protein change: p.Val2997fs; shifts the reading frame from valine 2997.
Molecular consequence: frameshift variant.
Genome position (GRCh38, 1-based): chr2:219,490,452-219,490,476, GGGCGAACGTTCGTGGCCAAGATCG duplicated; duplicating any 25 consecutive bases within chr2:219,490,450-219,490,476 gives the same sequence; the c. name uses the placement nearest the transcript's 3' end. VCF-style (leftmost placement, unchanged base first): chr2-219490449-A-ACGGGGCGAACGTTCGTGGCCAAGAT. GRCh37 (hg19) VCF-style: chr2-220355171-A-ACGGGGCGAACGTTCGTGGCCAAGAT.
Other names: short protein forms V2997fs.
Identifiers: ClinVar variation 813888 (VCV000813888.5), dbSNP rs1575201712, ClinGen allele CA658795303.